The following is an entry in ClinVar:

NM_001009944.3(PKD1):c.10821+1G>A

Genes: PKD1 (polycystin 1, transient receptor potential channel interacting; minus strand), PKD1-AS1 (PKD1 antisense RNA 1; plus strand). Cytogenetic location: 16p13.3.
Variant type: single nucleotide variant.
Coding change: c.10821+1G>A on transcript NM_001009944.3 (MANE Select); the canonical splice donor site of the intron after coding-DNA position 10821, G replaced by A.
Molecular consequence: splice donor variant.
Genome position (GRCh38, 1-based): chr16:2,093,810, C>T on the plus strand (G>A on the coding strand, the complement: PKD1 is on the minus strand). VCF-style: chr16-2093810-C-T. GRCh37 (hg19) VCF-style: chr16-2143811-C-T.
Other names: c.10821+1G>A (NM_001009944.2); c.10818+1G>A (NM_000296.4).
Identifiers: ClinVar variation 811786 (VCV000811786.9), dbSNP rs1596488823, ClinGen allele CA394339570.

ClinVar aggregate classification (germline): Pathogenic/Likely pathogenic. Review status: criteria provided, multiple submitters, no conflicts (2 of 4 stars). 2 submissions from 2 submitters: Pathogenic (1); Likely pathogenic (1). Last evaluated 2024-10-09.

Conditions:
Polycystic kidney disease, adult type (PKD1). Also called: POLYCYSTIC KIDNEY DISEASE 1 WITH OR WITHOUT POLYCYSTIC LIVER DISEASE; POLYCYSTIC KIDNEY DISEASE, ADULT, TYPE I; Polycystic Kidney, Autosomal Dominant; Polycystic Kidney Disease 1, Autosomal Dominant; Polycystic kidney disease 1; Polycystic kidney disease 1, severe. Identifiers: MedGen C3149841, MONDO:0008263, OMIM 173900.

Submissions (2):

Victorian Clinical Genetics Services, Murdoch Childrens Research Institute
Classification: Pathogenic for Polycystic kidney disease, adult type. Last evaluated: 2024-10-09. Review status: criteria provided, single submitter. Criteria: ACMG Guidelines, 2015. Collection method: clinical testing. Allele origin: germline. Inheritance: Autosomal dominant inheritance. Affected: yes.
Comment: Based on the classification scheme VCGS_Germline_v1.3.4, this variant is classified as Pathogenic. Following criteria are met: 0102 - Loss of function is a known mechanism of disease in this gene and is associated with polycystic kidney disease 1 (MIM#173900). (I) 0107 - This gene is associated with autosomal dominant disease. Polycystic kidney disease 1 (MIM#173900) is predominantly caused by monoallelic variants, with rare reports of biallelic variants causing disease (OMIM). (I) 0211 - Canonical splice site variant without proven consequence on splicing (no functional evidence available). (SP) 0251 - This variant is heterozygous. (I) 0301 - Variant is absent from gnomAD (both v2 and v3). (SP) 0505 - Abnormal splicing is predicted by in silico tools and affected nucleotide is highly conserved. (SP) 0704 - Another canonical splice variant comparable to the one identified in this case has limited previous evidence for pathogenicity. c.10821+1G>C has been reported in two related individuals, one affected with end-stage renal disease and one affected with enlarged cystic kidneys (PMID: 19686598). (SP) 0802 - This variant has moderate previous evidence of pathogenicity in unrelated individuals. It has been reported in multiple individuals with ADPKD (PMIDs: 37078890, 26453610, 29529603). In addition, it has been reported as likely pathogenic by a clinical laboratory (ClinVar). (SP) 0905 - No published segregation evidence has been identified for this variant. (I) 1007 - No published functional evidence has been identified for this variant. (I) 1208 - Inheritance information for this variant is not currently available in this individual. (I) Legend: (SP) - Supporting pathogenic, (I) - Information, (SB) - Supporting benign

ARUP Laboratories, Molecular Genetics and Genomics, ARUP Laboratories
Classification: Likely pathogenic for Polycystic kidney disease, adult type. Last evaluated: 2018-09-25. Review status: criteria provided, single submitter. Criteria: ARUP Molecular Germline Variant Investigation Process. Collection method: clinical testing. Allele origin: germline.
Comment: The PKD1 c.10821+1G>A variant is reported in the literature in a family affected with autosomal dominant polycystic kidney disease (Hwang 2016). This variant is absent from general population databases (Exome Variant Server, Genome Aggregation Database), indicating it is not a common polymorphism. This variant abolishes the canonical splice donor site of intron 36, which is likely to disrupt gene function. Based on available information, this variant is considered to be likely pathogenic. References: Hwang YH et al. Refining Genotype-Phenotype Correlation in Autosomal Dominant Polycystic Kidney Disease. J Am Soc Nephrol. 2016 Jun;27(6):1861-8.

Literature cited by the submitters: PubMed 19686598 (cited by Victorian Clinical Genetics Services, Murdoch Childrens Research Institute); PubMed 26453610 (cited by Victorian Clinical Genetics Services, Murdoch Childrens Research Institute); PubMed 29529603 (cited by Victorian Clinical Genetics Services, Murdoch Childrens Research Institute); PubMed 37078890 (cited by Victorian Clinical Genetics Services, Murdoch Childrens Research Institute).